The following is an entry in ClinVar:

NM_002519.3(NPAT):c.3970A>G (p.Ser1324Gly)

Gene: NPAT (nuclear protein, coactivator of histone transcription; minus strand). Cytogenetic location: 11q22.3.
Variant type: single nucleotide variant.
Coding change: c.3970A>G on transcript NM_002519.3 (MANE Select); coding-DNA position 3970, A replaced by G.
Protein change: p.Ser1324Gly; replaces serine 1324 with glycine.
Molecular consequence: missense variant.
Genome position (GRCh38, 1-based): chr11:108,161,116, T>C on the plus strand (A>G on the coding strand, the complement: NPAT is on the minus strand). VCF-style: chr11-108161116-T-C. GRCh37 (hg19) VCF-style: chr11-108031843-T-C.
Other names: c.3991A>G, p.Ser1331Gly (NM_001321307.1); short protein forms S1331G, S1324G.
Identifiers: ClinVar variation 1736613 (VCV001736613.2), dbSNP rs2496693827, ClinGen allele CA382509650.

ClinVar aggregate classification (germline): Uncertain significance (1 of 4 stars; one submission).

Submission:

Ambry Genetics
Classification: Uncertain significance. Last evaluated: 2021-06-23. Review status: criteria provided, single submitter. Criteria: Ambry Variant Classification Scheme 2023. Collection method: clinical testing. Allele origin: germline.
Comment: The p.S1324G variant (also known as c.3970A>G), located in coding exon 17 of the NPAT gene, results from an A to G substitution at nucleotide position 3970. The serine at codon 1324 is replaced by glycine, an amino acid with similar properties. This amino acid position is conserved. In addition, the in silico prediction for this alteration is inconclusive. Since supporting evidence is limited at this time, the clinical significance of this alteration remains unclear.